The following is an entry in ClinVar:

ClinVar aggregate classification (germline): Likely pathogenic (1 of 4 stars; one submission).

Conditions:
PHEX-related disorder. Also called: PHEX-related condition.

Submission:

PreventionGenetics, part of Exact Sciences
Classification: Likely pathogenic for PHEX-related condition. Last evaluated: 2023-08-23. Review status: criteria provided, single submitter. Criteria: ACMG Guidelines, 2015. Collection method: clinical testing. Allele origin: germline.
Comment: The PHEX c.1075_1076delAA variant is predicted to result in a frameshift and premature protein termination (p.Lys359Glufs*20). To our knowledge, this variant has not been reported in the literature or in a large population database, indicating this variant is rare. Frameshift variants in PHEX are expected to be pathogenic. This variant is interpreted as likely pathogenic.

NM_000444.6(PHEX):c.1075_1076del (p.Lys359fs)

Gene: PHEX (phosphate regulating endopeptidase X-linked; plus strand). Cytogenetic location: Xp22.11.
Variant type: Deletion.
Coding change: c.1075_1076del on transcript NM_000444.6 (MANE Select); coding-DNA positions 1075 to 1076, 2 bases deleted (AA; older notation c.1075_1076delAA).
Protein change: p.Lys359fs; shifts the reading frame from lysine 359.
Molecular consequence: frameshift variant.
Genome position (GRCh38, 1-based): chrX:22,099,147-22,099,148, AA deleted; deleting any 2 consecutive bases within chrX:22,099,146-22,099,148 gives the same sequence; the c. name uses the placement nearest the transcript's 3' end. VCF-style (leftmost placement, unchanged base first): chrX-22099145-GAA-G. GRCh37 (hg19) VCF-style: chrX-22117263-GAA-G.
Other names: c.1075_1076del, p.Lys359fs (NM_001282754.2); short protein forms K359fs.
Identifiers: ClinVar variation 2631066 (VCV002631066.1), dbSNP rs2519780140, ClinGen allele CA2695200161.